The following is an entry in ClinVar:

ClinVar aggregate classification (germline): Uncertain significance. Review status: criteria provided, multiple submitters, no conflicts (2 of 4 stars). 3 submissions from 3 submitters: Uncertain significance (3). Last evaluated 2023-04-11.

Conditions:
Pyridoxine-dependent epilepsy (EPEO4). Also called: Pyridoxine-Dependent Epilepsy - ALDH7A1; EPILEPSY, EARLY-ONSET, 4, VITAMIN B6-DEPENDENT; PYRIDOXINE DEPENDENCY WITH SEIZURES; Pyridoxine-Dependent Seizures. Identifiers: Orphanet 3006, MedGen C1849508, MONDO:0009945, OMIM 266100. Disease mechanism: loss of function.
Inborn genetic diseases. Identifiers: MedGen C0950123, MeSH D030342.

gnomAD v4.1: 10 of 1,605,748 alleles (0.00062%); no homozygotes.

Submissions (3):

Genome-Nilou Lab
Classification: Uncertain significance for Pyridoxine-dependent epilepsy. Last evaluated: 2023-04-11. Review status: criteria provided, single submitter. Criteria: ACMG Guidelines, 2015. Collection method: clinical testing. Allele origin: germline. Affected: no.

Labcorp Genetics (formerly Invitae), Labcorp
Classification: Uncertain significance for Pyridoxine-dependent epilepsy. Last evaluated: 2022-08-16. Review status: criteria provided, single submitter. Criteria: Invitae Variant Classification Sherloc (09022015). Collection method: clinical testing. Allele origin: germline.
Comment: This sequence change replaces alanine, which is neutral and non-polar, with glycine, which is neutral and non-polar, at codon 40 of the ALDH7A1 protein (p.Ala40Gly). This variant is not present in population databases (gnomAD no frequency). This missense change has been observed in individual(s) with pyridoxine-dependent epilepsy (PMID: 30043187). ClinVar contains an entry for this variant (Variation ID: 569552). Advanced modeling of protein sequence and biophysical properties (such as structural, functional, and spatial information, amino acid conservation, physicochemical variation, residue mobility, and thermodynamic stability) performed at Invitae indicates that this missense variant is not expected to disrupt ALDH7A1 protein function. In summary, the available evidence is currently insufficient to determine the role of this variant in disease. Therefore, it has been classified as a Variant of Uncertain Significance.

Ambry Genetics
Classification: Uncertain significance for Inborn genetic diseases. Last evaluated: 2017-06-30. Review status: criteria provided, single submitter. Criteria: Ambry Variant Classification Scheme 2023. Collection method: clinical testing. Allele origin: germline.
Comment: The p.A40G variant (also known as c.119C>G), located in coding exon 1 of the ALDH7A1 gene, results from a C to G substitution at nucleotide position 119. The alanine at codon 40 is replaced by glycine, an amino acid with similar properties. This amino acid position is not well conserved in available vertebrate species. In addition, this alteration is predicted to be tolerated by in silico analysis. Since supporting evidence is limited at this time, the clinical significance of this alteration remains unclear.

Literature cited by the submitters: PubMed 30043187 (cited by Labcorp Genetics (formerly Invitae), Labcorp).

NM_001182.5(ALDH7A1):c.119C>G (p.Ala40Gly)

Gene: ALDH7A1 (aldehyde dehydrogenase 7 family member A1; minus strand). Cytogenetic location: 5q23.2.
Variant type: single nucleotide variant.
Coding change: c.119C>G on transcript NM_001182.5 (MANE Select); coding-DNA position 119, C replaced by G.
Protein change: p.Ala40Gly; replaces alanine 40 with glycine.
Molecular consequence: missense variant.
Genome position (GRCh38, 1-based): chr5:126,595,080, G>C on the plus strand (C>G on the coding strand, the complement: ALDH7A1 is on the minus strand). VCF-style: chr5-126595080-G-C. GRCh37 (hg19) VCF-style: chr5-125930772-G-C.
Other names: c.35C>G, p.Ala12Gly (NM_001201377.2); c.119C>G, p.Ala40Gly (NM_001202404.2); short protein forms A40G, A12G.
Identifiers: ClinVar variation 569552 (VCV000569552.8), dbSNP rs745385277, ClinGen allele CA360733807.
Genomic context (GRCh38, chr5:126,595,080, plus strand): 5'-CCCCAGCTTCCATTATACACGCCCTCGTTTTCCTCGCGGAGCCCCAGCTCTTTCAGCCAC[G>C]CATACTGGGGCTGATTGATGAGGAGAGTGGACATGAAGGCGGCAGGCCTGCTCCAAGGTC-3'
Protein context (NP_001173.2, residues 30-50): STLLINQPQY[Ala40Gly]WLKELGLREE